The following is an entry in ClinVar:

ClinVar aggregate classification (germline): Uncertain significance (1 of 4 stars; one submission).

Allele frequency attached by ClinVar (database versions not stated): TOPMed 0.00001; ExAC 0.00002; gnomAD exomes 0.00002; ESP Exome Variant Server 0.00008.
gnomAD v4.1: 27 of 1,614,006 alleles (0.0017%); highest among the groups gnomAD compares: Non-Finnish European, 0.0022%; no homozygotes.

Submission:

Labcorp Genetics (formerly Invitae), Labcorp
Classification: Uncertain significance. Last evaluated: 2022-09-01. Review status: criteria provided, single submitter. Criteria: Invitae Variant Classification Sherloc (09022015). Collection method: clinical testing. Allele origin: germline.
Comment: This sequence change replaces proline, which is neutral and non-polar, with threonine, which is neutral and polar, at codon 357 of the KIAA0753 protein (p.Pro357Thr). This variant is present in population databases (rs375354746, gnomAD 0.005%). This variant has not been reported in the literature in individuals affected with KIAA0753-related conditions. Algorithms developed to predict the effect of missense changes on protein structure and function are either unavailable or do not agree on the potential impact of this missense change (SIFT: "Deleterious"; PolyPhen-2: "Possibly Damaging"; Align-GVGD: "Class C0"). In summary, the available evidence is currently insufficient to determine the role of this variant in disease. Therefore, it has been classified as a Variant of Uncertain Significance.

NM_014804.3(KIAA0753):c.1069C>A (p.Pro357Thr)

Gene: KIAA0753 (KIAA0753; minus strand). Cytogenetic location: 17p13.1.
Variant type: single nucleotide variant.
Coding change: c.1069C>A on transcript NM_014804.3 (MANE Select); coding-DNA position 1069, C replaced by A.
Protein change: p.Pro357Thr; replaces proline 357 with threonine.
Molecular consequence: missense variant. On other transcripts: non-coding transcript variant (3).
Genome position (GRCh38, 1-based): chr17:6,622,917, G>T on the plus strand (C>A on the coding strand, the complement: KIAA0753 is on the minus strand). VCF-style: chr17-6622917-G-T. GRCh37 (hg19) VCF-style: chr17-6526237-G-T.
Other names: c.172C>A, p.Pro58Thr (NM_001351225.2); short protein forms P58T, P357T.
Identifiers: ClinVar variation 2190119 (VCV002190119.1), dbSNP rs375354746, ClinGen allele CA8330616.